The following continues an entry in ClinVar:

NM_001042492.3(NF1):c.4330A>G (p.Lys1444Glu)

Gene: NF1. ClinVar aggregate classification (germline): Pathogenic. Pathogenic (25).

Submissions 13 to 30 of 30:

Department of Medicine, University of Texas Health Science Center at San Antonio
Classification: Pathogenic for Pheochromocytoma. Last evaluated: 2022-09-14. Review status: criteria provided, single submitter. Criteria: ACMG Guidelines, 2015. Collection method: research. Allele origin: somatic. Inheritance: Somatic mutation. Affected: yes.
Comment: The following PIDs represent publications in which this variant has been detected and evaluated both in clinical contexts (patient-derived samples) and by in vitro experiments, and all of them support the pathogenic nature of this variant. These publications report on detection of this variant in germline disease (neurofibromatosis type 1) and as a somatic event in various cancer types. Moreover, there are multiple additional submissions to ClinVar that report this variant, mostly in the context of germline disease.

Genome-Nilou Lab
Classification: Pathogenic for Neurofibromatosis, type 1. Last evaluated: 2022-03-15. Review status: criteria provided, single submitter. Criteria: ACMG Guidelines, 2015. Collection method: clinical testing. Allele origin: germline. Affected: no.

Ambry Genetics
Classification: Pathogenic for Cardiovascular phenotype; Hereditary cancer-predisposing syndrome. Last evaluated: 2021-12-17. Review status: criteria provided, single submitter. Criteria: Ambry General Variant Classification Scheme_2022. Collection method: clinical testing. Allele origin: germline. Observed: 1 variant allele.
Comment: The p.K1423E variant (also known as c.4267A>G), located in coding exon 31 of the NF1 gene, results from an A to G substitution at nucleotide position 4267. The lysine at codon 1423 is replaced by glutamic acid, an amino acid with similar properties. This mutation was detected in an NF1 family with perfect segregation among six (four affected who met NIH diagnostic criteria and two unaffected) family members (Li Y, et al. Cell 1992; 69(2):275-81). This mutation has also been detected in several individuals who met NIH diagnostic criteria for Neurofibromatosis type 1 (NF1) (Cassiman C et al. Clin. Genet., 2017 Apr;91:529-535; Cannon A et al. Orphanet J Rare Dis, 2018 Feb;13:31; Upadhyaya M, et al. Hum. Mutat. 2008; 29(8):E103-11; Thomas L, et al. Hum. Mutat. 2012;33(12):1687-96; Pros E, et al. Hum. Mutat. 2008;29(9):E173-93; Wang Q, et al. Hum. Genet. 2003;112(2):117-23; Stella A et al. Genes (Basel), 2018 Apr;9:) and in several individuals with Noonan syndrome features (De Luca A, et al. Am. J. Hum. Genet. 2005; 77(6):1092-101). Functional analysis of this alteration in an in vitro Ras-activation assay shows significantly elevated levels of activated Ras compared to wild type (Thomas L et al. Hum. Mutat. 2012 Dec;33:1687-96). Based on the supporting evidence, p.K1423E is interpreted as a disease-causing mutation.

GeneDx
Classification: Pathogenic. Last evaluated: 2021-11-03. Review status: criteria provided, single submitter. Criteria: GeneDx Variant Classification Process June 2021. Collection method: clinical testing. Allele origin: germline. Affected: yes.
Comment: Published functional studies demonstrate a damaging effect: reduced GTPase-activating protein activity (Li 1992, Poullet 1994, Thomas 2012); In-silico analysis is inconclusive as to whether the variant alters gene splicing. In the absence of RNA/functional studies, the actual effect of this sequence change is unknown.; In silico analysis supports that this missense variant has a deleterious effect on protein structure/function; This variant is associated with the following publications: (PMID: 16513807, 22807134, 8264648, 27322474, 1568247, 14722917, 18546366, 9003501, 22155606, 19845691, 23244495, 16380919, 9219873, 11857752, 29673180, 29415745, 31595648, 29625052, 16786508, 31730495, 31776437, 25486365, 33443663)

Athena Diagnostics
Classification: Pathogenic. Last evaluated: 2020-09-11. Review status: criteria provided, single submitter. Criteria: Athena Diagnostics criteria. Collection method: clinical testing. Allele origin: unknown.
Comment: The frequency of this variant in the general population is consistent with pathogenicity. This variant has been identified in multiple unrelated individuals with clinical features associated with this gene, including at least one apparent de novo. In some published literature, this variant is referred to as c.4330A>G, p.Lys1444Glu. Assessment of experimental evidence suggests this variant results in abnormal protein function. The variant significantly reduced the protein's ability to activate GTPase (PMID: 1568247, 8264648, 22807134). This is implicated in loss of p21 regulation, ras signaling interference and tumorigenesis. Computational tools predict that this variant is damaging. The variant is located in a region that is considered important for protein function and/or structure.

Quest Diagnostics Nichols Institute San Juan Capistrano
Classification: Pathogenic. Last evaluated: 2020-09-11. Review status: criteria provided, single submitter. Criteria: Quest Diagnostics criteria. Collection method: clinical testing. Allele origin: unknown.
Comment: This variant has been reported in multiple individuals and families with NF1 in the published literature (PMID: 29415745 (2018), 23244495 (2012), 18546366 (2008), 16380919 (2005), 11857752 (2002), 9003501 (1997), 1568247 (1992)), including in a family where it segregated with disease (PMID: 1568247 (1992)). This variant has been reported as a de novo event (PMID: 27322474 (2016)). Functional data suggest that the variant is detrimental to normal protein function (PMID: 22807134 (2012), 16513807 (2006), 9219873 (1997), 9003501 (1997), 8264648 (1994)). Based on the available information, this variant is classified as pathogenic.

Baylor Genetics
Classification: Pathogenic for Neurofibromatosis, type 1. Last evaluated: 2020-06-03. Review status: criteria provided, single submitter. Criteria: ACMG Guidelines, 2015. Collection method: clinical testing. Allele origin: unknown. Affected: yes.
Comment: This variant was determined to be pathogenic according to ACMG Guidelines, 2015 [PMID:25741868].

UAB Medical Genomics Laboratory, UAB Medicine
Classification: Pathogenic for Neurofibromatosis, type 1. Last evaluated: 2019-06-05. Review status: criteria provided, single submitter. Criteria: ACMG Guidelines, 2015. Collection method: clinical testing. Allele origin: inherited. Affected: yes.

Fulgent Genetics
Classification: Pathogenic for Neurofibromatosis, type 1; Neurofibromatosis, familial spinal; Café-au-lait macules with pulmonary stenosis; Neurofibromatosis-Noonan syndrome; Juvenile myelomonocytic leukemia. Last evaluated: 2018-10-31. Review status: criteria provided, single submitter. Criteria: ACMG Guidelines, 2015. Collection method: clinical testing. Allele origin: unknown.

Centre for Mendelian Genomics, University Medical Centre Ljubljana
Classification: Pathogenic for Neurofibromatosis, type 1. Last evaluated: 2018-10-19. Review status: criteria provided, single submitter. Criteria: ACMG Guidelines, 2015. Collection method: clinical testing. Allele origin: unknown. Affected: yes.
Comment: This variant was classified as: Pathogenic. The following ACMG criteria were applied in classifying this variant: PS1,PS3,PM1,PM2,PP3.

Centre for Mendelian Genomics, University Medical Centre Ljubljana
Classification: Pathogenic for Axillary freckling; Cafe au lait spots, multiple; Neurofibroma; Optic nerve glioma. Last evaluated: 2017-01-01. Review status: criteria provided, single submitter. Criteria: ACMG Guidelines, 2015. Collection method: clinical testing. Allele origin: unknown. Affected: yes.

Laboratory for Molecular Medicine, Mass General Brigham Personalized Medicine
Classification: Pathogenic for Neurofibromatosis, type 1. Last evaluated: 2015-06-09. Review status: criteria provided, single submitter. Criteria: LMM Criteria. Collection method: clinical testing. Allele origin: germline. Inheritance: Autosomal dominant inheritance. Observed: 1 variant allele.
Comment: The p.Lys1444Glu variant in NF1 (p.Lys1423Glu on transcript NM_000267.3) has bee n previously reported in at least 5 individuals with Neurofibromatosis type 1 an d segregated with disease in 4 affected family members from 1 family (Li 1992, U padhyaya 1997, Upadhyaya 2004, Laycock-VanSpyke 2011 ). In addition, it has been identified as a somatic variant in individuals with colon adenocarcinoma, anapl astic astrocytoma, and myelodysplasitc syndrome (Li 1992). This variant has also been identified in 1/65426 European chromosomes by the Exome Aggregation Consor tium (ExAC; dbSNP rs137854550). Please note that for diseases with variable expressivity, pathogenic variants may be present at a low frequency in the general population. Furthermore, in-vitro functional stud ies provide some evidence that this variant may impact protein function (Li 1992 , Poullet 1994, Thomas 2012). This variant is located in the last three bases of the exon, which is part of the 5? splice region, and computational tools sugges t a possible impact to splicing. However, in vitro assays and computational too ls may not accurately represent biological function. In summary, this variant m eets our criteria to be classified as pathogenic for neurofibromatosis type 1 in an autosomal dominant manner based upon segregation studies and functional evidence.

Juno Genomics, Hangzhou Juno Genomics, Inc
Classification: Pathogenic for Neurofibromatosis, type 1. Review status: criteria provided, single submitter. Criteria: ACMG Guidelines, 2015. Collection method: clinical testing. Allele origin: germline. Affected: yes.
Comment: Absent from controls (or at extremely low frequency if recessive) in Genome Aggregation Database, Exome Sequencing Project, 1000 Genomes Project, or Exome Aggregation Consortium.;Missense variant in a gene that has a low rate of benign missense variation and where missense variants are a common mechanism of disease.;The prevalence of the variant in affected individuals is significantly increased compared to the prevalence in controls.;Well-established in vitro or in vivo functional studies supportive of a damaging effect on the gene or gene product.;Novel missense change at an amino acid residue where a different missense change determined to be pathogenic has been seen before.

Medical Genetics, University of Parma
Classification: Uncertain significance for Neurofibromatosis type 1. Last evaluated: 2017-02-02. Review status: no assertion criteria provided. Collection method: clinical testing. Allele origin: germline. Affected: yes. Not counted in ClinVar's aggregate classification.

OMIM
Classification: Pathogenic for NEUROFIBROMATOSIS, TYPE I. Last evaluated: 1992-04-17. Review status: no assertion criteria provided. Collection method: literature only. Allele origin: unknown. Not counted in ClinVar's aggregate classification.

Clinical Genetics DNA and cytogenetics Diagnostics Lab, Erasmus MC, Erasmus Medical Center
Classification: Pathogenic. Review status: no assertion criteria provided. Collection method: clinical testing. Allele origin: germline. Affected: yes. Study: VKGL Data-share Consensus. Not counted in ClinVar's aggregate classification.

Dr. Peter K. Rogan Lab, Western University
No classification provided (evidence only). Condition: Ovarian serous cystadenocarcinoma. Review status: no classification provided. Collection method: in vitro. Allele origin: not applicable. Functional consequence: retained intron. Not counted in ClinVar's aggregate classification.

Genome Diagnostics Laboratory, Amsterdam University Medical Center
Classification: Pathogenic. Review status: no assertion criteria provided. Collection method: clinical testing. Allele origin: germline. Affected: yes. Study: VKGL Data-share Consensus. Not counted in ClinVar's aggregate classification.

Literature cited by the submitters: PubMed 1568247 (cited by 7 submitters); PubMed 11857752 (cited by 4 submitters); PubMed 16380919 (cited by 4 submitters); PubMed 16786508 (cited by 5 submitters); PubMed 23244495 (cited by 3 submitters); PubMed 27322474 (cited by 3 submitters); PubMed 8264648 (cited by 7 submitters); PubMed 22807134 (cited by 6 submitters); PubMed 31595648 (cited by 5 submitters); PubMed 34694046 (cited by Variantyx, Inc.); PubMed 40225167 (cited by Variantyx, Inc.); PubMed 20301288 (cited by Victorian Clinical Genetics Services, Murdoch Childrens Research Institute); DOI 10.3389/fendo.2022.1024108 (cited by Department of Medicine, University of Texas Health Science Center at San Antonio); PubMed 14722917 (cited by 4 submitters); PubMed 8499944 (cited by Department of Medicine, University of Texas Health Science Center at San Antonio); PubMed 8499945 (cited by Department of Medicine, University of Texas Health Science Center at San Antonio); PubMed 8669813 (cited by Department of Medicine, University of Texas Health Science Center at San Antonio); PubMed 27716896 (cited by Ambry Genetics); PubMed 29415745 (cited by 3 submitters); PubMed 29673180 (cited by 3 submitters); PubMed 9003501 (cited by 3 submitters); PubMed 18546366 (cited by Athena Diagnostics and Quest Diagnostics Nichols Institute San Juan Capistrano); PubMed 12095621 (cited by Athena Diagnostics and Quest Diagnostics Nichols Institute San Juan Capistrano); PubMed 9219873 (cited by Athena Diagnostics and Quest Diagnostics Nichols Institute San Juan Capistrano); PubMed 16513807 (cited by Athena Diagnostics and Quest Diagnostics Nichols Institute San Juan Capistrano); PubMed 32107864 (cited by Athena Diagnostics and Quest Diagnostics Nichols Institute San Juan Capistrano); PubMed 25325900 (cited by Athena Diagnostics and Quest Diagnostics Nichols Institute San Juan Capistrano); PubMed 26840085 (cited by Athena Diagnostics and Quest Diagnostics Nichols Institute San Juan Capistrano); PubMed 29290338 (cited by UAB Medical Genomics Laboratory, UAB Medicine); PubMed 22155606 (cited by Laboratory for Molecular Medicine, Mass General Brigham Personalized Medicine).